The following is an entry in ClinVar:

NM_001365276.2(TNXB):c.2367G>A (p.Gly789=)

Gene: TNXB (tenascin XB; minus strand). Cytogenetic location: 6p21.33.
Variant type: single nucleotide variant.
Coding change: c.2367G>A on transcript NM_001365276.2 (MANE Select); coding-DNA position 2367, G replaced by A.
Protein change: p.Gly789=; no amino-acid change (glycine 789 retained).
Molecular consequence: synonymous variant.
Genome position (GRCh38, 1-based): chr6:32,089,371, C>T on the plus strand (G>A on the coding strand, the complement: TNXB is on the minus strand). VCF-style: chr6-32089371-C-T. GRCh37 (hg19) VCF-style: chr6-32057148-C-T.
Other names: p.Gly789=; c.2367G>A, p.Gly789= (NM_019105.8).
Identifiers: ClinVar variation 261129 (VCV000261129.44), dbSNP rs117182156, ClinGen allele CA3735496.

ClinVar aggregate classification (germline): Benign. Review status: criteria provided, multiple submitters, no conflicts (2 of 4 stars). 8 submissions from 8 submitters: Benign (8). Last evaluated 2026-06-08.

Conditions:
Cardiovascular phenotype. Identifiers: MedGen CN230736.
Ehlers-Danlos syndrome (EDS). Identifiers: Orphanet 98249, MedGen C0013720, MONDO:0020066.

Allele frequency attached by ClinVar (database versions not stated): ESP Exome Variant Server 0.00360; gnomAD 0.00399 and 0.00467; TOPMed 0.00485; gnomAD exomes 0.00519 and 0.00645; 1000 Genomes Project 30x 0.00765; ExAC 0.00783; 1000 Genomes Project 0.00859.
gnomAD v4.1: 8,334 of 1,605,796 alleles (0.52%); highest among the groups gnomAD compares: East Asian, 3.7%; 106 homozygotes.

Submissions (8):

Women's Health and Genetics/Laboratory Corporation of America, LabCorp
Classification: Benign. Last evaluated: 2026-06-08. Review status: criteria provided, single submitter. Criteria: LabCorp Variant Classification Summary - May 2015. Collection method: clinical testing. Allele origin: germline.

Labcorp Genetics (formerly Invitae), Labcorp
Classification: Benign. Last evaluated: 2026-02-04. Review status: criteria provided, single submitter. Criteria: Invitae Variant Classification Sherloc (09022015). Collection method: clinical testing. Allele origin: germline.

CeGaT Center for Human Genetics Tuebingen
Classification: Benign. Last evaluated: 2023-09-01. Review status: criteria provided, single submitter. Criteria: CeGaT Center For Human Genetics Tuebingen Variant Classification Criteria Version 2. Collection method: clinical testing. Allele origin: germline. Affected: yes. Observed: 4 variant alleles.
Comment: TNXB: BP4, BP7, BS1, BS2

Mayo Clinic Laboratories, Mayo Clinic
Classification: Benign. Last evaluated: 2023-08-29. Review status: criteria provided, single submitter. Criteria: ACMG Guidelines, 2015. Collection method: clinical testing. Allele origin: germline. Observed: 28 variant alleles.
Comment: BS1, BS2, BP4, BP7

Genome Diagnostics Laboratory, The Hospital for Sick Children
Classification: Benign for Ehlers-Danlos syndrome. Last evaluated: 2022-02-08. Review status: criteria provided, single submitter. Criteria: ACMG Guidelines, 2015. Collection method: clinical testing. Allele origin: germline.

GeneDx
Classification: Benign. Last evaluated: 2019-07-19. Review status: criteria provided, single submitter. Criteria: GeneDx Variant Classification Process June 2021. Collection method: clinical testing. Allele origin: germline. Affected: yes.

Ambry Genetics
Classification: Benign for Cardiovascular phenotype. Last evaluated: 2019-02-12. Review status: criteria provided, single submitter. Criteria: Ambry Variant Classification Scheme 2023. Collection method: clinical testing. Allele origin: germline.

PreventionGenetics, part of Exact Sciences
Classification: Benign. Review status: criteria provided, single submitter. Criteria: ACMG Guidelines, 2015. Collection method: clinical testing. Allele origin: germline.